The following is an entry in ClinVar:

ClinVar aggregate classification (germline): Likely pathogenic (1 of 4 stars; one submission).

Conditions:
Arginase deficiency. Also called: Arginase 1 Deficiency; ARGININEMIA; ARG1 DEFICIENCY. Identifiers: Orphanet 90, MedGen C0268548, MONDO:0008814, OMIM 207800.

Submission:

Myriad Genetics, Inc.
Classification: Likely pathogenic for Arginase deficiency. Last evaluated: 2022-01-28. Review status: criteria provided, single submitter. Criteria: Myriad Women's Health Autosomal Recessive and X-Linked Classification Criteria (2021). Collection method: clinical testing. Allele origin: unknown.
Comment: NM_000045.3(ARG1):c.140_141delTG(V47Efs*10) is expected to be pathogenic in the context of argininemia. This variant is predicted to lead to an abnormal or absent protein product due to the creation of a premature termination codon in ARG1, a gene where loss-of-function variants are known to be pathogenic. Please note: this variant was assessed in the context of healthy population screening.

NM_000045.4(ARG1):c.140_141del (p.Val47fs)

Genes: ARG1 (arginase 1; plus strand), MED23 (mediator complex subunit 23; minus strand). Cytogenetic location: 6q23.2.
Variant type: Microsatellite.
Coding change: c.140_141del on transcript NM_000045.4 (MANE Select); coding-DNA positions 140 to 141, 2 bases deleted (TG; older notation c.140_141delTG).
Protein change: p.Val47fs; shifts the reading frame from valine 47.
Molecular consequence: frameshift variant. On other transcripts: non-coding transcript variant (1), intron variant (2).
Genome position (GRCh38, 1-based): chr6:131,579,120-131,579,121, TG deleted; deleting any 2 consecutive bases within chr6:131,579,118-131,579,121 gives the same sequence; the c. name uses the placement nearest the transcript's 3' end. VCF-style (leftmost placement, unchanged base first): chr6-131579117-ATG-A. GRCh37 (hg19) VCF-style: chr6-131900257-ATG-A.
Other names: c.164_165del, p.Val55fs (NM_001244438.2); c.140_141del, p.Val47fs (NM_001369020.1); c.4078-4824_4078-4823del (NM_001270521.2); c.4096-4824_4096-4823del (NM_015979.4); short protein forms V47fs, V55fs.
Identifiers: ClinVar variation 1724169 (VCV001724169.2), dbSNP rs2482351208, ClinGen allele CA2580615772.